The following is an entry in ClinVar:

ClinVar aggregate classification (germline): Likely benign (1 of 4 stars; one submission).

Allele frequency attached by ClinVar (database versions not stated): gnomAD exomes below 0.00001; gnomAD 0.00001; TOPMed 0.00001.
gnomAD v4.1: 2 of 1,613,486 alleles (0.00012%); highest among the groups gnomAD compares: Non-Finnish European, 0.00017%; no homozygotes.

Submission:

CeGaT Center for Human Genetics Tuebingen
Classification: Likely benign. Last evaluated: 2024-04-01. Review status: criteria provided, single submitter. Criteria: CeGaT Center For Human Genetics Tuebingen Variant Classification Criteria Version 2. Collection method: clinical testing. Allele origin: germline. Affected: yes. Observed: 1 variant allele.
Comment: COLEC11: BP4, BP7

NM_024027.5(COLEC11):c.333C>T (p.Leu111=)

Gene: COLEC11 (collectin subfamily member 11; plus strand). Cytogenetic location: 2p25.3.
Variant type: single nucleotide variant.
Coding change: c.333C>T on transcript NM_024027.5 (MANE Select); coding-DNA position 333, C replaced by T.
Protein change: p.Leu111=; no amino-acid change (leucine 111 retained).
Molecular consequence: synonymous variant. On other transcripts: non-coding transcript variant (1).
Genome position (GRCh38, 1-based): chr2:3,643,448, C>T. VCF-style: chr2-3643448-C-T. GRCh37 (hg19) VCF-style: chr2-3691038-C-T.
Other names: c.261C>T, p.Leu87= (NM_001255982.2, NM_001255983.2); c.189C>T, p.Leu63= (NM_001255984.2); c.375C>T, p.Leu125= (NM_001255985.1); c.255C>T, p.Leu85= (NM_001255986.1); c.183C>T, p.Leu61= (NM_001255987.1, NM_001255988.1); c.111C>T, p.Leu37= (NM_001255989.1); c.324C>T, p.Leu108= (NM_199235.3).
Identifiers: ClinVar variation 3234603 (VCV003234603.20), dbSNP rs938878927, ClinGen allele CA41553309.